The following is an entry in ClinVar:

ClinVar aggregate classification (germline): Uncertain significance (1 of 4 stars; one submission).

Conditions:
Severe combined immunodeficiency due to DNA-PKcs deficiency. Also called: Immunodeficiency 26 with or without neurologic abnormalities; IMMUNODEFICIENCY 26 WITH NEUROLOGIC ABNORMALITIES. Identifiers: Orphanet 317425, MedGen C4014833, MONDO:0014423, OMIM 615966.

Allele frequency attached by ClinVar (database versions not stated): gnomAD exomes below 0.00001; TOPMed below 0.00001; gnomAD 0.00001; ExAC 0.00005.
gnomAD v4.1: 8 of 1,480,482 alleles (0.00054%); highest among the groups gnomAD compares: Admixed American, 0.016%; no homozygotes.

Submission:

Labcorp Genetics (formerly Invitae), Labcorp
Classification: Uncertain significance for Severe combined immunodeficiency due to DNA-PKcs deficiency. Last evaluated: 2024-04-16. Review status: criteria provided, single submitter. Criteria: Invitae Variant Classification Sherloc (09022015). Collection method: clinical testing. Allele origin: germline.
Comment: This sequence change falls in intron 48 of the PRKDC gene. It does not directly change the encoded amino acid sequence of the PRKDC protein. It affects a nucleotide within the consensus splice site. This variant is present in population databases (rs773115316, gnomAD 0.02%). This variant has not been reported in the literature in individuals affected with PRKDC-related conditions. ClinVar contains an entry for this variant (Variation ID: 2169979). Variants that disrupt the consensus splice site are a relatively common cause of aberrant splicing (PMID: 17576681, 9536098). Algorithms developed to predict the effect of sequence changes on RNA splicing suggest that this variant is not likely to affect RNA splicing. In summary, the available evidence is currently insufficient to determine the role of this variant in disease. Therefore, it has been classified as a Variant of Uncertain Significance.

Literature cited by the submitters: PubMed 17576681; PubMed 9536098.

NM_006904.7(PRKDC):c.6465+3A>G

Gene: PRKDC (protein kinase, DNA-activated, catalytic subunit; minus strand). Cytogenetic location: 8q11.21.
Variant type: single nucleotide variant.
Coding change: c.6465+3A>G on transcript NM_006904.7 (MANE Select); 3 bases into the intron after coding-DNA position 6465, A replaced by G.
Molecular consequence: intron variant.
Genome position (GRCh38, 1-based): chr8:47,858,513, T>C on the plus strand (A>G on the coding strand, the complement: PRKDC is on the minus strand). VCF-style: chr8-47858513-T-C. GRCh37 (hg19) VCF-style: chr8-48771074-T-C.
Other names: c.6465+3A>G (NM_001081640.2).
Identifiers: ClinVar variation 2169979 (VCV002169979.4), dbSNP rs773115316, ClinGen allele CA4740351.